The following is an entry in ClinVar:

NM_004181.5(UCHL1):c.34-8C>G

Gene: UCHL1 (ubiquitin C-terminal hydrolase L1; plus strand). Cytogenetic location: 4p13.
Variant type: single nucleotide variant.
Coding change: c.34-8C>G on transcript NM_004181.5 (MANE Select); 8 bases into the intron before coding-DNA position 34, C replaced by G.
Molecular consequence: intron variant.
Genome position (GRCh38, 1-based): chr4:41,257,107, C>G. VCF-style: chr4-41257107-C-G. GRCh37 (hg19) VCF-style: chr4-41259124-C-G.
Identifiers: ClinVar variation 1895575 (VCV001895575.6), dbSNP rs367604061, ClinGen allele CA95777322.

ClinVar aggregate classification (germline): Conflicting classifications of pathogenicity. Review status: criteria provided, conflicting classifications (1 of 4 stars). 2 submissions from 2 submitters: Uncertain significance (1); Likely benign (1). Last evaluated 2025-01-22.

Allele frequency attached by ClinVar (database versions not stated): gnomAD exomes below 0.00001; TOPMed 0.00001; gnomAD 0.00005; ESP Exome Variant Server 0.00008.
gnomAD v4.1: 11 of 1,613,716 alleles (0.00068%); highest among the groups gnomAD compares: African/African-American, 0.0093%; no homozygotes.

Submissions (2):

Greenwood Genetic Center Diagnostic Laboratories, Greenwood Genetic Center
Classification: Uncertain significance. Last evaluated: 2025-01-22. Review status: criteria provided, single submitter. Criteria: ACMG Guidelines, 2015. Collection method: clinical testing. Allele origin: germline.
Comment: BP4

Labcorp Genetics (formerly Invitae), Labcorp
Classification: Likely benign. Last evaluated: 2022-09-26. Review status: criteria provided, single submitter. Criteria: Invitae Variant Classification Sherloc (09022015). Collection method: clinical testing. Allele origin: germline.